The following is an entry in ClinVar:

ClinVar aggregate classification (germline): Uncertain significance (1 of 4 stars; one submission).

Conditions:
Majeed syndrome (MJDS). Also called: CHRONIC RECURRENT MULTIFOCAL OSTEOMYELITIS 1, WITH CONGENITAL DYSERYTHROPOIETIC ANEMIA, WITH OR WITHOUT NEUTROPHILIC DERMATOSIS; LPIN2-Related Majeed Syndrome. Identifiers: Orphanet 77297, MedGen C1864997, MONDO:0012316, OMIM 609628.

Allele frequency attached by ClinVar (database versions not stated): gnomAD 0.00001.
gnomAD v4.1: 6 of 1,614,032 alleles (0.00037%); highest among the groups gnomAD compares: Non-Finnish European, 0.00051%; no homozygotes.

Submission:

Labcorp Genetics (formerly Invitae), Labcorp
Classification: Uncertain significance for Majeed syndrome. Last evaluated: 2023-07-17. Review status: criteria provided, single submitter. Criteria: Invitae Variant Classification Sherloc (09022015). Collection method: clinical testing. Allele origin: germline.
Comment: This sequence change replaces glutamic acid, which is acidic and polar, with glutamine, which is neutral and polar, at codon 312 of the LPIN2 protein (p.Glu312Gln). This variant is present in population databases (no rsID available, gnomAD 0.002%). This variant has not been reported in the literature in individuals affected with LPIN2-related conditions. ClinVar contains an entry for this variant (Variation ID: 2196817). Advanced modeling of protein sequence and biophysical properties (such as structural, functional, and spatial information, amino acid conservation, physicochemical variation, residue mobility, and thermodynamic stability) performed at Invitae indicates that this missense variant is not expected to disrupt LPIN2 protein function. In summary, the available evidence is currently insufficient to determine the role of this variant in disease. Therefore, it has been classified as a Variant of Uncertain Significance.

NM_001375808.2(LPIN2):c.934G>C (p.Glu312Gln)

Gene: LPIN2 (lipin 2; minus strand). Cytogenetic location: 18p11.31.
Variant type: single nucleotide variant.
Coding change: c.934G>C on transcript NM_001375808.2 (MANE Select); coding-DNA position 934, G replaced by C.
Protein change: p.Glu312Gln; replaces glutamic acid 312 with glutamine.
Molecular consequence: missense variant.
Genome position (GRCh38, 1-based): chr18:2,937,926, C>G on the plus strand (G>C on the coding strand, the complement: LPIN2 is on the minus strand). VCF-style: chr18-2937926-C-G. GRCh37 (hg19) VCF-style: chr18-2937924-C-G.
Other names: c.934G>C, p.Glu312Gln (NM_001375809.1, NM_014646.2); short protein forms E312Q.
Identifiers: ClinVar variation 2196817 (VCV002196817.2), dbSNP rs1233668641, ClinGen allele CA401706695.
Genomic context (GRCh38, chr18:2,937,926, plus strand): 5'-GGGCTCTGGGTTTGGGCTTCACTATGGTACAGACAGTGTCTTCCATGGAAGCATCCTTCT[C>G]AACTTCACTGATGAGGTTGTCCTCACTGGGAATTACCCGAAAATGAGTATTTTCTGATGG-3'
Protein context (NP_001362737.1, residues 302-322): PSEDNLISEV[Glu312Gln]KDASMEDTVC